The following is an entry in ClinVar:

NM_000371.4(TTR):c.94C>G (p.Leu32Val)

Gene: TTR (transthyretin; plus strand). Cytogenetic location: 18q12.1.
Variant type: single nucleotide variant.
Coding change: c.94C>G on transcript NM_000371.4 (MANE Select); coding-DNA position 94, C replaced by G.
Protein change: p.Leu32Val; replaces leucine 32 with valine.
Molecular consequence: missense variant.
Genome position (GRCh38, 1-based): chr18:31,592,920, C>G. VCF-style: chr18-31592920-C-G. GRCh37 (hg19) VCF-style: chr18-29172883-C-G.
Other names: short protein forms L32V.
Identifiers: ClinVar variation 1075407 (VCV001075407.11), dbSNP rs2144406525, ClinGen allele CA402156526.
Genomic context (GRCh38, chr18:31,592,920, plus strand): 5'-TTTTGTTAACTTCTCACGTGTCTTCTCTACACCCAGGGCACCGGTGAATCCAAGTGTCCT[C>G]TGATGGTCAAAGTTCTAGATGCTGTCCGAGGCAGTCCTGCCATCAATGTGGCCGTGCATG-3'
Protein context (NP_000362.1, residues 22-42): PTGTGESKCP[Leu32Val]MVKVLDAVRG

ClinVar aggregate classification (germline): Pathogenic. Review status: criteria provided, multiple submitters, no conflicts (2 of 4 stars). 3 submissions from 3 submitters: Pathogenic (3). Last evaluated 2024-12-05.

Conditions:
Amyloidosis, hereditary systemic 1 (AMYLD1). Also called: Familial amyloid polyneuropathy; Transthyretin Amyloidosis; Hereditary oculoleptomeningeal amyloid angiopathy; Familial Transthyretin Amyloidosis; AMYLOID CARDIOMYOPATHY; Hereditary Transthyretin Amyloidosis. Identifiers: Orphanet 85447, Orphanet 85451, MedGen C2751492, MONDO:0971004, OMIM 105210.
Cardiovascular phenotype. Identifiers: MedGen CN230736.
Amyloidosis. Also called: Amyloid deposition. Identifiers: Orphanet 69, MedGen C0002726, MONDO:0019065, HP:0011034.

Submissions (3):

Labcorp Genetics (formerly Invitae), Labcorp
Classification: Pathogenic for Amyloidosis, hereditary systemic 1. Last evaluated: 2024-12-05. Review status: criteria provided, single submitter. Criteria: Invitae Variant Classification Sherloc (09022015). Collection method: clinical testing. Allele origin: germline.
Comment: This sequence change replaces leucine, which is neutral and non-polar, with valine, which is neutral and non-polar, at codon 32 of the TTR protein (p.Leu32Val). This variant is not present in population databases (gnomAD no frequency). This missense change has been observed in individual(s) with hereditary transthyretin-mediated amyloidosis (hATTR amyloidosis) (PMID: 28646538, 31074293). It has also been observed to segregate with disease in related individuals. This variant is also known as Leu12Val. ClinVar contains an entry for this variant (Variation ID: 1075407). Invitae Evidence Modeling of protein sequence and biophysical properties (such as structural, functional, and spatial information, amino acid conservation, physicochemical variation, residue mobility, and thermodynamic stability) indicates that this missense variant is expected to disrupt TTR protein function with a positive predictive value of 95%. This variant disrupts the p.Leu32 amino acid residue in TTR. Other variant(s) that disrupt this residue have been determined to be pathogenic (PMID: 10071047, 15820680, 20209591, 25488473). This suggests that this residue is clinically significant, and that variants that disrupt this residue are likely to be disease-causing. For these reasons, this variant has been classified as Pathogenic.

Genetics and Molecular Pathology, SA Pathology
Classification: Pathogenic for Amyloidosis. Last evaluated: 2023-05-23. Review status: criteria provided, single submitter. Criteria: ACMG Guidelines, 2015. Collection method: clinical testing. Allele origin: germline. Affected: yes.
Comment: The TTR c.94C>G variant is classified as Pathogenic (PS3, PM1, PM2, PS4_Supporting, PP3) The TTR c.94C>G variant is a single nucleotide change in exon 2/4 of the TTR gene, which is predicted to change the amino acid leucine at position 32 in the protein, to valine. The variant has been reported in 4 probands with a clinical presentation of Amyloid polyneuropathy and has been reported to segregate in 2 affected family members (PMID#28646538, 31074293) (PS4_Supporting) . Functional studies using isoelectric focussing of the WT and mutant TTR protein, showed differences in tetramer and monomer stability compared with WT indicating this variant has an impact on the resultant protein (PMID#31074293)(PS3). Multiple changes to the same amino acid (p.Leu32M/P) have been reported in individuals with TTR-related disease suggesting changes to this amino acid are not tolerated (PM1). This variant is absent from population databases (PM2), is not reported in dbSNP, is reported as disease causing in the HGMD database (CM179391) and has been reported as Pathogenic by other diagnostic laboratories (ClinVar Variation ID: 1075407). Computational predictions support a deleterious effect on the gene or gene product (PP3).

Ambry Genetics
Classification: Pathogenic for Cardiovascular phenotype. Last evaluated: 2021-05-14. Review status: criteria provided, single submitter. Criteria: Ambry Variant Classification Scheme 2023. Collection method: clinical testing. Allele origin: germline.
Comment: The p.L32V pathogenic mutation (also known as c.94C>G), located in coding exon 2 of the TTR gene, results from a C to G substitution at nucleotide position 94. The leucine at codon 32 is replaced by valine, an amino acid with highly similar properties. This variant (also referred to as p.L12V) has been detected in unrelated index cases with transthyretin amyloidosis with features including polyneuropathy and cardiomyopathy, and was reported to segregate with disease in a family (Mart&iacute;nez-Ulloa PL et al. J Peripher Nerv Syst, 2017 09;22:208-212; Hinderhofer K et al. Amyloid, 2019 Jun;26:85-93). Other variants affecting this codon (e.g., p.L32P and p.L32M) have also been reported in association with amyloidosis (Brett M et al. Brain. 1999 Feb;122 ( Pt 2):183-90; Choi K et al. J Clin Neurol. 2018 Oct;14(4):537-541). Based on internal structural analysis, the p.L32V variant is anticipated to result in a decrease in structural stability (Schormann N et al. Amyloid. 1998 Sep;5(3):175-87). This variant is considered to be rare based on population cohorts in the Genome Aggregation Database (gnomAD). In addition, this alteration is predicted to be deleterious by in silico analysis. Based on the supporting evidence, this alteration is interpreted as a disease-causing mutation.

Literature cited by the submitters: PubMed 28646538 (cited by 3 submitters); PubMed 31074293 (cited by 3 submitters); PubMed 10071047 (cited by Labcorp Genetics (formerly Invitae), Labcorp); PubMed 15820680 (cited by Labcorp Genetics (formerly Invitae), Labcorp); PubMed 20209591 (cited by Labcorp Genetics (formerly Invitae), Labcorp); PubMed 25488473 (cited by Labcorp Genetics (formerly Invitae), Labcorp); PubMed 9818054 (cited by Ambry Genetics).